The following is an entry in ClinVar:

ClinVar aggregate classification (germline): Uncertain significance. Review status: criteria provided, multiple submitters, no conflicts (2 of 4 stars). 2 submissions from 2 submitters: Uncertain significance (2). Last evaluated 2026-07-13.

Conditions:
KCNV2-related disorder. Also called: KCNV2-related condition.

Allele frequency attached by ClinVar (database versions not stated): gnomAD exomes below 0.00001 and 0.00001; ExAC 0.00001; TOPMed 0.00001.
gnomAD v4.1: 8 of 1,609,922 alleles (0.0005%); highest among the groups gnomAD compares: Admixed American, 0.0017%; no homozygotes.

Submissions (2):

PreventionGenetics, part of Exact Sciences
Classification: Uncertain significance for KCNV2-related condition. Last evaluated: 2026-07-13. Review status: criteria provided, single submitter. Criteria: ACMG Guidelines, 2015. Collection method: clinical testing. Allele origin: germline.
Comment: The KCNV2 c.1085G>A variant is predicted to result in the amino acid substitution p.Arg362His. To our knowledge, this variant has not been reported in the literature. This variant is reported in 0.0029% of alleles in individuals of Latino descent in gnomAD. At this time, the clinical significance of this variant is uncertain due to the absence of conclusive functional and genetic evidence.

Labcorp Genetics (formerly Invitae), Labcorp
Classification: Uncertain significance. Last evaluated: 2024-10-16. Review status: criteria provided, single submitter. Criteria: Invitae Variant Classification Sherloc (09022015). Collection method: clinical testing. Allele origin: germline.
Comment: This sequence change replaces arginine, which is basic and polar, with histidine, which is basic and polar, at codon 362 of the KCNV2 protein (p.Arg362His). This variant is present in population databases (rs766985581, gnomAD 0.003%). This variant has not been reported in the literature in individuals affected with KCNV2-related conditions. ClinVar contains an entry for this variant (Variation ID: 1024781). Invitae Evidence Modeling of protein sequence and biophysical properties (such as structural, functional, and spatial information, amino acid conservation, physicochemical variation, residue mobility, and thermodynamic stability) indicates that this missense variant is not expected to disrupt KCNV2 protein function with a negative predictive value of 95%. In summary, the available evidence is currently insufficient to determine the role of this variant in disease. Therefore, it has been classified as a Variant of Uncertain Significance.

NM_133497.4(KCNV2):c.1085G>A (p.Arg362His)

Gene: KCNV2 (potassium voltage-gated channel modifier subfamily V member 2; plus strand). Cytogenetic location: 9p24.2.
Variant type: single nucleotide variant.
Coding change: c.1085G>A on transcript NM_133497.4 (MANE Select); coding-DNA position 1085, G replaced by A.
Protein change: p.Arg362His; replaces arginine 362 with histidine.
Molecular consequence: missense variant.
Genome position (GRCh38, 1-based): chr9:2,718,824, G>A. VCF-style: chr9-2718824-G-A. GRCh37 (hg19) VCF-style: chr9-2718824-G-A.
Other names: c.1085G>A (NM_133497.3); short protein forms R362H.
Identifiers: ClinVar variation 1024781 (VCV001024781.10), dbSNP rs766985581, ClinGen allele CA4965759.